The following is an entry in ClinVar:

ClinVar aggregate classification (germline): Uncertain significance (1 of 4 stars; one submission).

Conditions:
Hereditary cancer-predisposing syndrome. Also called: Neoplastic Syndromes, Hereditary; Tumor predisposition; Hereditary Cancer Syndrome; Hereditary neoplastic syndrome. Identifiers: Orphanet 140162, MedGen C0027672, MeSH D009386, MONDO:0015356.

gnomAD v4.1: 1 of 1,614,256 alleles (0.000062%); highest among the groups gnomAD compares: Non-Finnish European, 0.000085%; no homozygotes.

Submission:

Ambry Genetics
Classification: Uncertain significance for Hereditary cancer-predisposing syndrome. Last evaluated: 2026-05-15. Review status: criteria provided, single submitter. Criteria: Ambry Variant Classification Scheme 2023. Collection method: clinical testing. Allele origin: germline.
Comment: The p.T629S variant (also known as c.1885A>T), located in coding exon 16 of the EGFR gene, results from an A to T substitution at nucleotide position 1885. The threonine at codon 629 is replaced by serine, an amino acid with similar properties. This amino acid position is conserved. In addition, this alteration is predicted to be tolerated by in silico analysis. Based on the available evidence, the clinical significance of this variant remains unclear.

NM_005228.5(EGFR):c.1885A>T (p.Thr629Ser)

Gene: EGFR (epidermal growth factor receptor; plus strand). Cytogenetic location: 7p11.2.
Variant type: single nucleotide variant.
Coding change: c.1885A>T on transcript NM_005228.5 (MANE Select); coding-DNA position 1885, A replaced by T.
Protein change: p.Thr629Ser; replaces threonine 629 with serine.
Molecular consequence: missense variant.
Genome position (GRCh38, 1-based): chr7:55,171,179, A>T. VCF-style: chr7-55171179-A-T. GRCh37 (hg19) VCF-style: chr7-55238872-A-T.
Other names: c.1750A>T, p.Thr584Ser (NM_001346897.2, NM_001346899.2); c.1885A>T, p.Thr629Ser (NM_001346898.2); c.1726A>T, p.Thr576Ser (NM_001346900.2); c.1084A>T, p.Thr362Ser (NM_001346941.2); short protein forms T362S, T576S, T584S, T629S.
Identifiers: ClinVar variation 4870274 (VCV004870274.1).